The following is an entry in ClinVar:

NM_133259.4(LRPPRC):c.1966-3_1966-1del

Gene: LRPPRC (leucine rich pentatricopeptide repeat containing; minus strand). Cytogenetic location: 2p21.
Variant type: Deletion.
Coding change: c.1966-3_1966-1del on transcript NM_133259.4 (MANE Select); 3 bases into the intron before coding-DNA position 1966 through the canonical splice acceptor site of the intron before coding-DNA position 1966, 3 bases deleted (TAG; older notation c.1966-3_1966-1delTAG).
Molecular consequence: splice acceptor variant.
Genome position (GRCh38, 1-based): chr2:43,947,371-43,947,373, CTA deleted on the plus strand (TAG on the coding strand, the reverse complement: LRPPRC is on the minus strand); deleting any 3 consecutive bases within chr2:43,947,371-43,947,374 gives the same sequence; the c. name uses the placement nearest the transcript's 3' end. VCF-style (leftmost placement, unchanged base first): chr2-43947370-TCTA-T. GRCh37 (hg19) VCF-style: chr2-44174509-TCTA-T.
Identifiers: ClinVar variation 3642057 (VCV003642057.2).

ClinVar aggregate classification (germline): Likely pathogenic (1 of 4 stars; one submission).

Submission:

Labcorp Genetics (formerly Invitae), Labcorp
Classification: Likely pathogenic. Last evaluated: 2024-02-19. Review status: criteria provided, single submitter. Criteria: Invitae Variant Classification Sherloc (09022015). Collection method: clinical testing. Allele origin: germline.
Comment: This sequence change affects a splice site in intron 19 of the LRPPRC gene. It is expected to disrupt RNA splicing. Variants that disrupt the donor or acceptor splice site typically lead to a loss of protein function (PMID: 16199547), and loss-of-function variants in LRPPRC are known to be pathogenic (PMID: 26510951). This variant is not present in population databases (gnomAD no frequency). This variant has not been reported in the literature in individuals affected with LRPPRC-related conditions. Algorithms developed to predict the effect of sequence changes on RNA splicing suggest that this variant may disrupt the consensus splice site. In summary, the currently available evidence indicates that the variant is pathogenic, but additional data are needed to prove that conclusively. Therefore, this variant has been classified as Likely Pathogenic.

Literature cited by the submitters: PubMed 16199547; PubMed 26510951.